The following is an entry in ClinVar:

NM_032447.5(FBN3):c.719T>C (p.Ile240Thr)

Gene: FBN3 (fibrillin 3; minus strand). Cytogenetic location: 19p13.2.
Variant type: single nucleotide variant.
Coding change: c.719T>C on transcript NM_032447.5 (MANE Select); coding-DNA position 719, T replaced by C.
Protein change: p.Ile240Thr; replaces isoleucine 240 with threonine.
Molecular consequence: missense variant.
Genome position (GRCh38, 1-based): chr19:8,141,960, A>G on the plus strand (T>C on the coding strand, the complement: FBN3 is on the minus strand). VCF-style: chr19-8141960-A-G. GRCh37 (hg19) VCF-style: chr19-8206844-A-G.
Other names: c.719T>C (NM_001321431.1); c.719T>C, p.Ile240Thr (NM_001321431.2); short protein forms I240T.
Identifiers: ClinVar variation 789240 (VCV000789240.13), dbSNP rs138635091, ClinGen allele CA9153626.

ClinVar aggregate classification (germline): Likely benign. Review status: criteria provided, multiple submitters, no conflicts (2 of 4 stars). 3 submissions from 3 submitters: Likely benign (2). 1 of the submissions does not count toward it. Last evaluated 2026-01-16.

Conditions:
FBN3-related disorder. Also called: FBN3-related condition.

Allele frequency attached by ClinVar (database versions not stated): 1000 Genomes Project 30x 0.00156; 1000 Genomes Project 0.00160; gnomAD 0.00267 and 0.00285; gnomAD exomes 0.00279 and 0.00352; TOPMed 0.00292; ExAC 0.00308; ESP Exome Variant Server 0.00315.
gnomAD v4.1: 5,570 of 1,614,158 alleles (0.35%); highest among the groups gnomAD compares: Middle Eastern, 0.81%; 17 homozygotes.

Submissions (3):

Labcorp Genetics (formerly Invitae), Labcorp
Classification: Likely benign. Last evaluated: 2026-01-16. Review status: criteria provided, single submitter. Criteria: Invitae Variant Classification Sherloc (09022015). Collection method: clinical testing. Allele origin: germline.

Breakthrough Genomics
Classification: Likely benign. Review status: criteria provided, single submitter. Criteria: ACMG Guidelines, 2015. Collection method: not provided. Allele origin: germline. Inheritance: Unknown mechanism. Affected: yes.

PreventionGenetics, part of Exact Sciences
Classification: Likely benign for FBN3-related condition. Last evaluated: 2019-02-19. Review status: no assertion criteria provided. Collection method: clinical testing. Allele origin: germline. Not counted in ClinVar's aggregate classification.
Comment: This variant is classified as likely benign based on ACMG/AMP sequence variant interpretation guidelines (Richards et al. 2015 PMID: 25741868, with internal and published modifications).